The following is an entry in ClinVar:

NM_001048174.2(MUTYH):c.676A>C (p.Ser226Arg)

Gene: MUTYH (mutY DNA glycosylase; minus strand). Cytogenetic location: 1p34.1.
Variant type: single nucleotide variant.
Coding change: c.676A>C on transcript NM_001048174.2 (MANE Select); coding-DNA position 676, A replaced by C.
Protein change: p.Ser226Arg; replaces serine 226 with arginine.
Molecular consequence: missense variant. On other transcripts: non-coding transcript variant (7).
Genome position (GRCh38, 1-based): chr1:45,332,419, T>G on the plus strand (A>C on the coding strand, the complement: MUTYH is on the minus strand). VCF-style: chr1-45332419-T-G. GRCh37 (hg19) VCF-style: chr1-45798091-T-G.
Other names: c.676A>C, p.Ser226Arg (NM_001048171.2, NM_001048173.2, NM_001293195.2 and 6 more transcripts); c.679A>C, p.Ser227Arg (NM_001048172.2, NM_001407071.1, NM_001407078.1 and 1 more transcripts); c.760A>C, p.Ser254Arg (NM_001128425.2); c.721A>C, p.Ser241Arg (NM_001293190.2); c.709A>C, p.Ser237Arg (NM_001293191.2, NM_001407069.1, NM_001407077.1); c.400A>C, p.Ser134Arg (NM_001293192.2, NM_001293196.2, NM_001407091.1); c.331A>C, p.Ser111Arg (NM_001350650.2, NM_001350651.2, NM_001407082.1); c.592A>C, p.Ser198Arg (NM_001407075.1); and 5 more; short protein forms S227R, S233R, S254R, S111R, S198R, S226R, S134R, S212R.
Identifiers: ClinVar variation 4113810 (VCV004113810.1).
Genomic context (GRCh38, chr1:45,332,419, plus strand): 5'-CCTGAAGCACCCTTGTTACCCCAACATCCTACCAGAGCTGCTGGGAAACAAGGGTGCTGC[T>G]GGGATCAGCACCAATGGCTCGGACACGGCACAGCACCCGTGCTACGTTGCCATCCACCAC-3'
Protein context (NP_001041639.1, residues 216-236): CRVRAIGADP[Ser226Arg]STLVSQQLWG

ClinVar aggregate classification (germline): Uncertain significance (1 of 4 stars; one submission).

Conditions:
Hereditary cancer-predisposing syndrome. Also called: Hereditary neoplastic syndrome; Neoplastic Syndromes, Hereditary; Tumor predisposition; Hereditary Cancer Syndrome. Identifiers: Orphanet 140162, MedGen C0027672, MeSH D009386, MONDO:0015356.

Submission:

Ambry Genetics
Classification: Uncertain significance for Hereditary cancer-predisposing syndrome. Last evaluated: 2025-08-27. Review status: criteria provided, single submitter. Criteria: Ambry Variant Classification Scheme 2023. Collection method: clinical testing. Allele origin: germline.
Comment: The p.S254R variant (also known as c.760A>C), located in coding exon 9 of the MUTYH gene, results from an A to C substitution at nucleotide position 760. The serine at codon 254 is replaced by arginine, an amino acid with dissimilar properties. This amino acid position is conserved. In addition, the in silico prediction for this alteration is inconclusive. Based on the available evidence, the clinical significance of this variant remains unclear.